The following is an entry in ClinVar:

NM_133433.4(NIPBL):c.4735C>T (p.Pro1579Ser)

Gene: NIPBL (NIPBL cohesin loading factor; plus strand). Cytogenetic location: 5p13.2.
Variant type: single nucleotide variant.
Coding change: c.4735C>T on transcript NM_133433.4 (MANE Select); coding-DNA position 4735, C replaced by T.
Protein change: p.Pro1579Ser; replaces proline 1579 with serine.
Molecular consequence: missense variant.
Genome position (GRCh38, 1-based): chr5:37,016,129, C>T. VCF-style: chr5-37016129-C-T. GRCh37 (hg19) VCF-style: chr5-37016231-C-T.
Other names: c.4735C>T, p.Pro1579Ser (NM_015384.5); short protein forms P1579S.
Identifiers: ClinVar variation 3391703 (VCV003391703.1).

ClinVar aggregate classification (germline): Uncertain significance (1 of 4 stars; one submission).

Submission:

GeneDx
Classification: Uncertain significance. Last evaluated: 2024-06-18. Review status: criteria provided, single submitter. Criteria: GeneDx Variant Classification Process June 2021. Collection method: clinical testing. Allele origin: germline. Affected: yes.
Comment: Not observed at significant frequency in large population cohorts (gnomAD); In silico analysis supports that this missense variant has a deleterious effect on protein structure/function; In silico analysis supports a deleterious effect on splicing; Has not been previously published as pathogenic or benign to our knowledge